The following is an entry in ClinVar:

NM_004667.6(HERC2):c.1068C>T (p.Ser356=)

Gene: HERC2 (HECT and RLD domain containing E3 ubiquitin protein ligase 2; minus strand). Cytogenetic location: 15q13.1.
Variant type: single nucleotide variant.
Coding change: c.1068C>T on transcript NM_004667.6 (MANE Select); coding-DNA position 1068, C replaced by T.
Protein change: p.Ser356=; no amino-acid change (serine 356 retained).
Molecular consequence: synonymous variant.
Genome position (GRCh38, 1-based): chr15:28,272,230, G>A on the plus strand (C>T on the coding strand, the complement: HERC2 is on the minus strand). VCF-style: chr15-28272230-G-A. GRCh37 (hg19) VCF-style: chr15-28517376-G-A.
Other names: c.1068C>T (NM_004667.5).
Identifiers: ClinVar variation 2645086 (VCV002645086.25), dbSNP rs141677977, ClinGen allele CA267947155.
Genomic context (GRCh38, chr15:28,272,230, plus strand): 5'-AGACTCGAGTGCCACCTAAACACAAAGTTCCATCATGACACTCACGTGCATGTCGCCCTC[G>A]GAGTGGGGTGCATCCTTCCTGCAAATGATGCTCTGGAACCTTTGCAGCAAGGGCAAAAGT-3'
Protein context (NP_004658.3, residues 346-366): SIICRKDAPH[Ser356=]EGDMHLLSGP

ClinVar aggregate classification (germline): Likely benign. Review status: criteria provided, single submitter (1 of 4 stars). 2 submissions from 2 submitters: Likely benign (1). 1 of the submissions does not count toward it. Last evaluated 2026-02-01.

Conditions:
HERC2-related disorder. Also called: HERC2-related condition.

Allele frequency attached by ClinVar (database versions not stated): gnomAD exomes 0.00001; gnomAD 0.00003; TOPMed 0.00004; ExAC 0.00033; ESP Exome Variant Server 0.00054.
gnomAD v4.1: 18 of 1,603,092 alleles (0.0011%); highest among the groups gnomAD compares: African/African-American, 0.004%; no homozygotes.

Submissions (2):

CeGaT Center for Human Genetics Tuebingen
Classification: Likely benign. Last evaluated: 2026-02-01. Review status: criteria provided, single submitter. Criteria: CeGaT Center For Human Genetics Tuebingen Variant Classification Criteria Version 2. Collection method: clinical testing. Allele origin: germline. Affected: yes. Observed: 5 variant alleles.
Comment: HERC2: BP4, BP7

PreventionGenetics, part of Exact Sciences
Classification: Likely benign for HERC2-related condition. Last evaluated: 2019-12-24. Review status: no assertion criteria provided. Collection method: clinical testing. Allele origin: germline. Not counted in ClinVar's aggregate classification.
Comment: This variant is classified as likely benign based on ACMG/AMP sequence variant interpretation guidelines (Richards et al. 2015 PMID: 25741868, with internal and published modifications).